The following is an entry in ClinVar:

ClinVar aggregate classification (germline): Uncertain significance (1 of 4 stars; one submission).

Allele frequency attached by ClinVar (database versions not stated): TOPMed below 0.00001; gnomAD 0.00001.
gnomAD v4.1: 2 of 1,542,214 alleles (0.00013%); highest among the groups gnomAD compares: Non-Finnish European, 0.00017%; no homozygotes.

Submission:

Labcorp Genetics (formerly Invitae), Labcorp
Classification: Uncertain significance. Last evaluated: 2021-10-03. Review status: criteria provided, single submitter. Criteria: Invitae Variant Classification Sherloc (09022015). Collection method: clinical testing. Allele origin: germline.
Comment: Algorithms developed to predict the effect of missense changes on protein structure and function are either unavailable or do not agree on the potential impact of this missense change (SIFT: "Tolerated"; PolyPhen-2: "Possibly Damaging"; Align-GVGD: "Class C0"). In summary, the available evidence is currently insufficient to determine the role of this variant in disease. Therefore, it has been classified as a Variant of Uncertain Significance. This variant has not been reported in the literature in individuals affected with PDE8B-related conditions. This variant is not present in population databases (ExAC no frequency). This sequence change replaces proline with arginine at codon 36 of the PDE8B protein (p.Pro36Arg). The proline residue is weakly conserved and there is a moderate physicochemical difference between proline and arginine.

NM_003719.5(PDE8B):c.107C>G (p.Pro36Arg)

Gene: PDE8B (phosphodiesterase 8B; plus strand). Cytogenetic location: 5q13.3.
Variant type: single nucleotide variant.
Coding change: c.107C>G on transcript NM_003719.5 (MANE Select); coding-DNA position 107, C replaced by G.
Protein change: p.Pro36Arg; replaces proline 36 with arginine.
Molecular consequence: missense variant. On other transcripts: 5 prime UTR variant (1), intron variant (13).
Genome position (GRCh38, 1-based): chr5:77,211,032, C>G. VCF-style: chr5-77211032-C-G. GRCh37 (hg19) VCF-style: chr5-76506857-C-G.
Other names: c.107C>G, p.Pro36Arg (NM_001029851.4, NM_001029852.4, NM_001029853.4 and 7 more transcripts); c.-263C>G (NM_001349753.2); c.36+30546C>G (NM_001349750.3, NM_001376069.1, NM_001376062.1 and 7 more transcripts); c.-34+986C>G (NM_001376067.1, NM_001376075.1); c.-31+986C>G (NM_001376068.1); short protein forms P36R.
Identifiers: ClinVar variation 1484253 (VCV001484253.6), dbSNP rs1748192964, ClinGen allele CA360326641.